The following is an entry in ClinVar:

NM_000355.4(TCN2):c.174A>G (p.Leu58=)

Gene: TCN2 (transcobalamin 2; plus strand). Cytogenetic location: 22q12.2.
Variant type: single nucleotide variant.
Coding change: c.174A>G on transcript NM_000355.4 (MANE Select); coding-DNA position 174, A replaced by G.
Protein change: p.Leu58=; no amino-acid change (leucine 58 retained).
Molecular consequence: synonymous variant.
Genome position (GRCh38, 1-based): chr22:30,610,980, A>G. VCF-style: chr22-30610980-A-G. GRCh37 (hg19) VCF-style: chr22-31006967-A-G.
Other names: c.174A>G, p.Leu58= (NM_001184726.2).
Identifiers: ClinVar variation 529783 (VCV000529783.12), dbSNP rs764601482, ClinGen allele CA10184507.

ClinVar aggregate classification (germline): Likely benign. Review status: criteria provided, multiple submitters, no conflicts (2 of 4 stars). 3 submissions from 3 submitters: Likely benign (2). 1 of the submissions does not count toward it. Last evaluated 2024-06-22.

Conditions:
TCN2-related disorder. Also called: TCN2-related condition.
Transcobalamin II deficiency (TCN2D). Also called: Transcolabamin II deficiency; TC II DEFICIENCY; TCN2 DEFICIENCY. Identifiers: Orphanet 859, MedGen C0342701, MONDO:0010149, OMIM 275350.

Allele frequency attached by ClinVar (database versions not stated): gnomAD 0.00001; TOPMed 0.00004.
gnomAD v4.1: 14 of 1,614,054 alleles (0.00087%); highest among the groups gnomAD compares: African/African-American, 0.0067%; no homozygotes.

Submissions (3):

Labcorp Genetics (formerly Invitae), Labcorp
Classification: Likely benign for Transcobalamin II deficiency. Last evaluated: 2024-06-22. Review status: criteria provided, single submitter. Criteria: Invitae Variant Classification Sherloc (09022015). Collection method: clinical testing. Allele origin: germline.

Blueprint Genetics
Classification: Likely benign. Last evaluated: 2023-07-04. Review status: criteria provided, single submitter. Criteria: ACMG Guidelines, 2015. Collection method: clinical testing. Allele origin: germline.

PreventionGenetics, part of Exact Sciences
Classification: Likely benign for TCN2-related condition. Last evaluated: 2019-08-10. Review status: no assertion criteria provided. Collection method: clinical testing. Allele origin: germline. Not counted in ClinVar's aggregate classification.
Comment: This variant is classified as likely benign based on ACMG/AMP sequence variant interpretation guidelines (Richards et al. 2015 PMID: 25741868, with internal and published modifications).